The following is an entry in ClinVar:

ClinVar aggregate classification (germline): Conflicting classifications of pathogenicity. Review status: criteria provided, conflicting classifications (1 of 4 stars). 2 submissions from 2 submitters: Uncertain significance (1); Likely benign (1). Last evaluated 2025-02-01.

Allele frequency attached by ClinVar (database versions not stated): TOPMed 0.00002; gnomAD 0.00010; gnomAD exomes 0.00021; ExAC 0.00042; 1000 Genomes Project 0.00060; 1000 Genomes Project 30x 0.00062.

Submissions (2):

CeGaT Center for Human Genetics Tuebingen
Classification: Likely benign. Last evaluated: 2025-02-01. Review status: criteria provided, single submitter. Criteria: CeGaT Center For Human Genetics Tuebingen Variant Classification Criteria Version 2. Collection method: clinical testing. Allele origin: germline. Affected: yes. Observed: 1 variant allele.
Comment: DNAH10: PP2, BP4, BS2

Ambry Genetics
Classification: Uncertain significance. Last evaluated: 2023-09-08. Review status: criteria provided, single submitter. Criteria: Ambry Variant Classification Scheme 2023. Collection method: clinical testing. Allele origin: germline.

NM_001372106.1(DNAH10):c.5512G>A (p.Asp1838Asn)

Gene: DNAH10 (dynein axonemal heavy chain 10; plus strand). Cytogenetic location: 12q24.31.
Variant type: single nucleotide variant.
Coding change: c.5512G>A on transcript NM_001372106.1 (MANE Select); coding-DNA position 5512, G replaced by A.
Protein change: p.Asp1838Asn; replaces aspartic acid 1838 with asparagine.
Molecular consequence: missense variant.
Genome position (GRCh38, 1-based): chr12:123,845,751, G>A. VCF-style: chr12-123845751-G-A. GRCh37 (hg19) VCF-style: chr12-124330298-G-A.
Other names: c.5158G>A, p.Asp1720Asn (NM_001083900.1, NM_207437.3); short protein forms D1720N, D1838N.
Identifiers: ClinVar variation 2596818 (VCV002596818.15), dbSNP rs552141374, ClinGen allele CA6863886.
Genomic context (GRCh38, chr12:123,845,751, plus strand): 5'-GCGCAAAAAGGGGAGAAGCAGGCCATGAAGAACTATGGCAGGAAAATGCACCGGCAGATC[G>A]ATGAGTTGGTAACGCGCATCACCATGCCGCTAAGCAAAAACGACAGGAAAAAATACAACA-3'
Protein context (NP_001359035.1, residues 1828-1848): NYGRKMHRQI[Asp1838Asn]ELVTRITMPL